The following is an entry in ClinVar:

NM_001177693.2(ARHGEF28):c.4480G>T (p.Asp1494Tyr)

Gene: ARHGEF28 (Rho guanine nucleotide exchange factor 28; plus strand). Cytogenetic location: 5q13.2.
Variant type: single nucleotide variant.
Coding change: c.4480G>T on transcript NM_001177693.2 (MANE Select); coding-DNA position 4480, G replaced by T.
Protein change: p.Asp1494Tyr; replaces aspartic acid 1494 with tyrosine.
Molecular consequence: missense variant.
Genome position (GRCh38, 1-based): chr5:73,909,730, G>T. VCF-style: chr5-73909730-G-T. GRCh37 (hg19) VCF-style: chr5-73205555-G-T.
Other names: c.4480G>T, p.Asp1494Tyr (NM_001080479.3, NM_001388078.1); c.3541G>T, p.Asp1181Tyr (NM_001244364.2); c.4186G>T, p.Asp1396Tyr (NM_001388076.1); short protein forms D1181Y, D1396Y, D1494Y.
Identifiers: ClinVar variation 3046202 (VCV003046202.2), dbSNP rs61748630, ClinGen allele CA3305360.

ClinVar aggregate classification (germline): Likely benign (0 of 4 stars; one submission).

Conditions:
ARHGEF28-related disorder. Also called: ARHGEF28-related condition.

Allele frequency attached by ClinVar (database versions not stated): ESP Exome Variant Server 0.00018; 1000 Genomes Project 0.00040; 1000 Genomes Project 30x 0.00094.
gnomAD v4.1: 190 of 1,517,478 alleles (0.013%); highest among the groups gnomAD compares: African/African-American, 0.22%; no homozygotes.

Submission:

PreventionGenetics, part of Exact Sciences
Classification: Likely benign for ARHGEF28-related condition. Last evaluated: 2023-03-23. Review status: no assertion criteria provided. Collection method: clinical testing. Allele origin: germline.
Comment: This variant is classified as likely benign based on ACMG/AMP sequence variant interpretation guidelines (Richards et al. 2015 PMID: 25741868, with internal and published modifications).